The following is an entry in ClinVar:

ClinVar aggregate classification (germline): Conflicting classifications of pathogenicity. Review status: criteria provided, conflicting classifications (1 of 4 stars). 19 submissions from 19 submitters: Uncertain significance (5); Benign (4); Likely benign (7). 3 of the submissions do not count toward it. Last evaluated 2026-02-03.

Conditions:
APC-Associated Polyposis Disorders.
Carcinoma of colon (CRC). Also called: Colonic carcinoma; Colon carcinoma. Identifiers: MedGen C0699790, MONDO:0002032.
Hepatocellular carcinoma (HCC). Also called: Primary carcinoma of liver; HEPATOMA; LIVER CELL CARCINOMA. Identifiers: Orphanet 88673, MedGen C2239176, MONDO:0007256, OMIM 114550, HP:0001402.
Desmoid disease, hereditary (DESMD). Also called: FIBROMATOSIS, FAMILIAL INFILTRATIVE. Identifiers: Orphanet 873, MedGen C1851124, OMIM 135290. Disease mechanism: loss of function.
Familial adenomatous polyposis 1 (FAP1). Also called: FAMILIAL ADENOMATOUS POLYPOSIS 1, ATTENUATED; POLYPOSIS, ADENOMATOUS INTESTINAL. Identifiers: MedGen C2713442, MONDO:0021056, OMIM 175100. Disease mechanism: loss of function.
Neoplasm of stomach. Also called: Gastric neoplasm; Neoplasm of the stomach; Stomach Neoplasms. Identifiers: MedGen C0038356, MONDO:0021085, HP:0006753. Disease mechanism: gain of function. Inheritance: Somatic mutation.
Hereditary cancer-predisposing syndrome. Also called: Tumor predisposition; Neoplastic Syndromes, Hereditary; Hereditary Cancer Syndrome; Hereditary neoplastic syndrome. Identifiers: Orphanet 140162, MedGen C0027672, MeSH D009386, MONDO:0015356.

Allele frequency attached by ClinVar (database versions not stated): ESP Exome Variant Server 0.00015; gnomAD 0.00022 and 0.00024; ExAC 0.00033; TOPMed 0.00037; gnomAD exomes 0.00039.
gnomAD v4.1: 297 of 1,613,820 alleles (0.018%); highest among the groups gnomAD compares: Middle Eastern, 0.016%; no homozygotes.

Submissions (19):

Labcorp Genetics (formerly Invitae), Labcorp
Classification: Benign for Familial adenomatous polyposis 1. Last evaluated: 2026-02-03. Review status: criteria provided, single submitter. Criteria: Invitae Variant Classification Sherloc (09022015). Collection method: clinical testing. Allele origin: germline.

Center for Genomic Medicine, Rigshospitalet, Copenhagen University Hospital
Classification: Likely benign. Last evaluated: 2025-12-29. Review status: criteria provided, single submitter. Criteria: ACMG Guidelines, 2015. Collection method: clinical testing. Allele origin: germline.
Comment: Classification criteria: BS1

CeGaT Center for Human Genetics Tuebingen
Classification: Likely benign. Last evaluated: 2025-11-01. Review status: criteria provided, single submitter. Criteria: CeGaT Center For Human Genetics Tuebingen Variant Classification Criteria Version 2. Collection method: clinical testing. Allele origin: germline. Affected: yes. Observed: 18 variant alleles.
Comment: APC: BS1

Blueprint Genetics
Classification: Likely benign. Last evaluated: 2024-09-24. Review status: criteria provided, single submitter. Criteria: ACMG Guidelines, 2015. Collection method: clinical testing. Allele origin: germline.

Myriad Genetics, Inc.
Classification: Likely benign for Familial adenomatous polyposis 1. Last evaluated: 2024-04-08. Review status: criteria provided, single submitter. Criteria: Myriad Autosomal Dominant, Autosomal Recessive and X-Linked Classification Criteria (2023). Collection method: clinical testing. Allele origin: unknown.
Comment: This variant is considered likely benign. This variant is strongly associated with less severe personal and family histories of cancer, typical for individuals without pathogenic variants in this gene [PMID: 25085752].

Quest Diagnostics Nichols Institute San Juan Capistrano
Classification: Benign. Last evaluated: 2023-01-11. Review status: criteria provided, single submitter. Criteria: Quest Diagnostics criteria. Collection method: clinical testing. Allele origin: unknown.

Institute for Biomarker Research, Medical Diagnostic Laboratories, L.L.C.
Classification: Uncertain significance for Hereditary cancer-predisposing syndrome. Last evaluated: 2022-11-15. Review status: criteria provided, single submitter. Criteria: ACMG Guidelines, 2015. Collection method: clinical testing. Allele origin: germline.

Institute for Clinical Genetics, University Hospital TU Dresden, University Hospital TU Dresden
Classification: Uncertain significance. Last evaluated: 2021-11-03. Review status: criteria provided, single submitter. Criteria: ACMG Guidelines, 2015. Collection method: clinical testing. Allele origin: germline.

Sema4
Classification: Benign for Hereditary cancer-predisposing syndrome. Last evaluated: 2020-11-11. Review status: criteria provided, single submitter. Criteria: Sema4 Curation Guidelines. Collection method: curation. Allele origin: germline.

GeneDx
Classification: Likely benign. Last evaluated: 2020-09-08. Review status: criteria provided, single submitter. Criteria: GeneDx Variant Classification Process June 2021. Collection method: clinical testing. Allele origin: germline. Affected: yes.
Comment: This variant is associated with the following publications: (PMID: 24728327, 28873162, 22703879, 25203624, 27878467)

Illumina Laboratory Services, Illumina
Classification: Uncertain significance for APC-Associated Polyposis Disorders. Last evaluated: 2019-09-09. Review status: criteria provided, single submitter. Criteria: ICSL Variant Classification Criteria 13 December 2019. Collection method: clinical testing. Allele origin: germline.
Comment: This variant was observed as part of a predisposition screen in an ostensibly healthy population. A literature search was performed for the gene, cDNA change, and amino acid change (where applicable). Publications were found based on this search. However, the evidence from the literature, in combination with allele frequency data from public databases where available, was not sufficient to rule this variant in or out of causing disease. Therefore, this variant is classified as a variant of unknown significance.

Ambry Genetics
Classification: Likely benign for Hereditary cancer-predisposing syndrome. Last evaluated: 2019-05-02. Review status: criteria provided, single submitter. Criteria: Ambry Variant Classification Scheme 2023. Collection method: clinical testing. Allele origin: germline.

Women's Health and Genetics/Laboratory Corporation of America, LabCorp
Classification: Benign. Last evaluated: 2019-02-08. Review status: criteria provided, single submitter. Criteria: LabCorp Variant Classification Summary - May 2015. Collection method: clinical testing. Allele origin: germline.
Comment: Variant summary: APC c.7036C>T (p.Pro2346Ser) results in a non-conservative amino acid change located in the Adenomatous polyposis coli protein basic domain of the encoded protein sequence. Five of five in-silico tools predict a damaging effect of the variant on protein function. The variant allele was found at a frequency of 0.00035 in 275598 control chromosomes, predominantly at a frequency of 0.0074 within the Ashkenazi Jewish subpopulation in the gnomAD database. The observed variant frequency within Ashkenazi Jewish control individuals in the gnomAD database is approximately 104 fold of the estimated maximal expected allele frequency for a pathogenic variant in APC causing Familial Adenomatous Polyposis phenotype (7.1e-05), strongly suggesting that the variant is a benign polymorphism found primarily in populations of Ashkenazi Jewish origin. c.7036C>T has been reported in the literature in individuals affected with different types of cancer, including pancreatic cancer and breast and/or ovarian cancer (Young_2018, Mandelker_2017, Yadav_2017, Maxwell_2016, Grant_2015, Zhang_2015). These reports do not provide unequivocal conclusions about association of the variant with Familial Adenomatous Polyposis. A co-occurrence with another pathogenic variant has been reported in our internal database (APC c.1690C>T, p.Arg564*), providing supporting evidence for a benign role. To our knowledge, no experimental evidence demonstrating an impact on protein function has been reported. Seven ClinVar submissions from clinical diagnostic laboratories (evaluation after 2014) cite the variant as benign (1x), likely benign (2x) and uncertain significance (4x). Based on the evidence outlined above, the variant was classified as benign.

Color Diagnostics, LLC DBA Color Health
Classification: Likely benign for Hereditary cancer-predisposing syndrome. Last evaluated: 2018-03-28. Review status: criteria provided, single submitter. Criteria: ACMG Guidelines, 2015. Collection method: clinical testing. Allele origin: germline.

Genetic Services Laboratory, University of Chicago
Classification: Uncertain significance. Last evaluated: 2017-12-15. Review status: criteria provided, single submitter. Criteria: ACMG Guidelines, 2015. Collection method: clinical testing. Allele origin: germline. Affected: no.

Fulgent Genetics
Classification: Uncertain significance for Colorectal cancer; Hepatocellular carcinoma; Desmoid disease, hereditary; Familial adenomatous polyposis 1; Gastric cancer. Last evaluated: 2017-05-23. Review status: criteria provided, single submitter. Criteria: ACMG Guidelines, 2015. Collection method: clinical testing. Allele origin: unknown.

ITMI
No classification provided. Condition: AllHighlyPenetrant. Last evaluated: 2013-09-19. Review status: no classification provided. Collection method: reference population. Allele origin: germline. Not counted in ClinVar's aggregate classification.
Comment: Please see associated publication for description of ethnicities

Biesecker Lab/Clinical Genomics Section, National Institutes of Health
Classification: Uncertain significance. Last evaluated: 2012-07-13. Review status: no assertion criteria provided. Collection method: research. Allele origin: germline. Affected: no. Observed: 1 variant allele. Study: ClinSeq. Not counted in ClinVar's aggregate classification.
ClinVar note: Converted during submission from variant of unknown significance to Uncertain significance.

Department of Pathology and Laboratory Medicine, Sinai Health System
Classification: Likely benign for Familial adenomatous polyposis 1. Review status: no assertion criteria provided. Collection method: clinical testing. Allele origin: unknown. Affected: yes. Study: The Canadian Open Genetics Repository (COGR). Not counted in ClinVar's aggregate classification.
Comment: The APC p.Pro2346Ser variant was identified in 1 of 1144 proband chromosomes (frequency: 0.0009) from individuals or families with atherosclerosis, unselected for personal or family histories of cancer (Johnston 2012). The variant was also identified in ClinVar (classified as uncertain significance by Quest Diagnostics, Fulgent Genetics and two other submitters; as likely benign by Ambry Genetics, GeneDx and Color; and as benign by Invitae) and LOVD 3.0 (1x as effect unknown/not classified). The variant was not identified in UMD-LSDB. The variant was identified in control databases in 102 of 281270 chromosomes at a frequency of 0.0004, increasing the likelihood this could be a low frequency benign variant (Genome Aggregation Database Feb 27, 2017). The variant was observed in the following populations: Ashkenazi Jewish in 80 of 10318 chromosomes (freq: 0.008), Other in 6 of 7184 chromosomes (freq: 0.0008), Latino in 4 of 35396 chromosomes (freq: 0.0001), and European (non-Finnish) in 12 of 127880 chromosomes (freq: 0.00009); it was not observed in the African, East Asian, European (Finnish), or South Asian populations. The p.Pro2346 residue is conserved in mammals and computational analyses (PolyPhen-2, SIFT, AlignGVGD, BLOSUM, MutationTaster) provide inconsistent predictions regarding the impact to the protein; this information is not very predictive of pathogenicity. The variant occurs outside of the splicing consensus sequence and in silico or computational prediction software programs (SpliceSiteFinder, MaxEntScan, NNSPLICE, GeneSplicer) do not predict a difference in splicing. In summary, based on the above information, the clinical significance of this variant cannot be determined with certainty at this time although we would lean towards a more benign role for this variant. This variant is classified as likely benign.

Literature cited by the submitters: PubMed 25085752 (cited by Myriad Genetics, Inc.); PubMed 27878467 (cited by 3 submitters); PubMed 28873162 (cited by Quest Diagnostics Nichols Institute San Juan Capistrano and Women's Health and Genetics/Laboratory Corporation of America, LabCorp); PubMed 27153395 (cited by Quest Diagnostics Nichols Institute San Juan Capistrano and Women's Health and Genetics/Laboratory Corporation of America, LabCorp); PubMed 24728327 (cited by 3 submitters); PubMed 25203624 (cited by Illumina Laboratory Services, Illumina); PubMed 25479140 (cited by Women's Health and Genetics/Laboratory Corporation of America, LabCorp); PubMed 29945567 (cited by Women's Health and Genetics/Laboratory Corporation of America, LabCorp); PubMed 29684080 (cited by Women's Health and Genetics/Laboratory Corporation of America, LabCorp).

NM_000038.6(APC):c.7036C>T (p.Pro2346Ser)

Gene: APC (APC regulator of Wnt signaling pathway; plus strand). Cytogenetic location: 5q22.2.
Variant type: single nucleotide variant.
Coding change: c.7036C>T on transcript NM_000038.6 (MANE Select); coding-DNA position 7036, C replaced by T.
Protein change: p.Pro2346Ser; replaces proline 2346 with serine.
Molecular consequence: missense variant.
Genome position (GRCh38, 1-based): chr5:112,842,630, C>T. VCF-style: chr5-112842630-C-T. GRCh37 (hg19) VCF-style: chr5-112178327-C-T.
Other names: p.P2346S:CCA>TCA; c.7036C>T (LRG_130t1); c.7036C>T, p.Pro2346Ser (NM_001127510.3, NM_001354895.2); c.6982C>T, p.Pro2328Ser (NM_001127511.3); c.7090C>T, p.Pro2364Ser (NM_001354896.2); c.7066C>T, p.Pro2356Ser (NM_001354897.2); c.6961C>T, p.Pro2321Ser (NM_001354898.2); c.6952C>T, p.Pro2318Ser (NM_001354899.2); and 7 more; short protein forms P2346S, P2328S, P2063S, P2220S, P2287S, P2321S, P2255S, P2318S.
Identifiers: ClinVar variation 41512 (VCV000041512.77), dbSNP rs200756935, ClinGen allele CA012759.